The following is an entry in ClinVar:

NM_004260.4(RECQL4):c.2246G>A (p.Cys749Tyr)

Gene: RECQL4 (RecQ like helicase 4; minus strand). Cytogenetic location: 8q24.3.
Variant type: single nucleotide variant.
Coding change: c.2246G>A on transcript NM_004260.4 (MANE Select); coding-DNA position 2246, G replaced by A.
Protein change: p.Cys749Tyr; replaces cysteine 749 with tyrosine.
Molecular consequence: missense variant.
Genome position (GRCh38, 1-based): chr8:144,513,435, C>T on the plus strand (G>A on the coding strand, the complement: RECQL4 is on the minus strand). VCF-style: chr8-144513435-C-T. GRCh37 (hg19) VCF-style: chr8-145738819-C-T.
Other names: short protein forms C749Y.
Identifiers: ClinVar variation 647565 (VCV000647565.5), dbSNP rs1586803374, ClinGen allele CA372678490.

ClinVar aggregate classification (germline): Uncertain significance. Review status: criteria provided, multiple submitters, no conflicts (2 of 4 stars). 2 submissions from 2 submitters: Uncertain significance (2). Last evaluated 2025-09-26.

Conditions:
Inborn genetic diseases. Identifiers: MedGen C0950123, MeSH D030342.
Baller-Gerold syndrome (BGS). Also called: CRANIOSYNOSTOSIS WITH RADIAL DEFECTS. Identifiers: Orphanet 1225, MedGen C0265308, MONDO:0009039, OMIM 218600.

Allele frequency attached by ClinVar (database versions not stated): gnomAD exomes below 0.00001.
gnomAD v4.1: 2 of 1,609,684 alleles (0.00012%); highest among the groups gnomAD compares: Non-Finnish European, 0.00017%; no homozygotes.

Submissions (2):

Ambry Genetics
Classification: Uncertain significance for Inborn genetic diseases. Last evaluated: 2025-09-26. Review status: criteria provided, single submitter. Criteria: Ambry Variant Classification Scheme 2023. Collection method: clinical testing. Allele origin: germline.
Comment: The p.C749Y variant (also known as c.2246G>A), located in coding exon 14 of the RECQL4 gene, results from a G to A substitution at nucleotide position 2246. The cysteine at codon 749 is replaced by tyrosine, an amino acid with highly dissimilar properties. This amino acid position is conserved. In addition, the in silico prediction for this alteration is inconclusive. Based on the available evidence, the clinical significance of this variant remains unclear.

Labcorp Genetics (formerly Invitae), Labcorp
Classification: Uncertain significance for Baller-Gerold syndrome. Last evaluated: 2018-12-27. Review status: criteria provided, single submitter. Criteria: Invitae Variant Classification Sherloc (09022015). Collection method: clinical testing. Allele origin: germline.
Comment: Algorithms developed to predict the effect of missense changes on protein structure and function (SIFT, PolyPhen-2, Align-GVGD) all suggest that this variant is likely to be tolerated, but these predictions have not been confirmed by published functional studies and their clinical significance is uncertain. This sequence change replaces cysteine with tyrosine at codon 749 of the RECQL4 protein (p.Cys749Tyr). The cysteine residue is moderately conserved and there is a large physicochemical difference between cysteine and tyrosine. This variant is not present in population databases (ExAC no frequency). This variant has not been reported in the literature in individuals with RECQL4-related conditions. In summary, the available evidence is currently insufficient to determine the role of this variant in disease. Therefore, it has been classified as a Variant of Uncertain Significance.